The following is an entry in ClinVar:

NM_031935.3(HMCN1):c.3844C>G (p.Gln1282Glu)

Gene: HMCN1 (hemicentin 1; plus strand). Cytogenetic location: 1q31.1.
Variant type: single nucleotide variant.
Coding change: c.3844C>G on transcript NM_031935.3 (MANE Select); coding-DNA position 3844, C replaced by G.
Protein change: p.Gln1282Glu; replaces glutamine 1282 with glutamic acid.
Molecular consequence: missense variant.
Genome position (GRCh38, 1-based): chr1:185,997,494, C>G. VCF-style: chr1-185997494-C-G. GRCh37 (hg19) VCF-style: chr1-185966626-C-G.
Other names: short protein forms Q1282E.
Identifiers: ClinVar variation 4695429 (VCV004695429.1).
Genomic context (GRCh38, chr1:185,997,494, plus strand): 5'-CCCACAGTGGAAGATCTAGAACCTCCATATAACACTACTTTCCAAGAAAGAGTGGCCAAT[C>G]AACGCATTGAATTTCCATGTCCTGCAAAAGGTACGTAATACTGAAAGATATAGGCATTGG-3'
Protein context (NP_114141.2, residues 1272-1292): NTTFQERVAN[Gln1282Glu]RIEFPCPAKG

ClinVar aggregate classification (germline): Uncertain significance (1 of 4 stars; one submission).

gnomAD v4.1: 10 of 1,611,754 alleles (0.00062%); highest among the groups gnomAD compares: Admixed American, 0.01%; no homozygotes.

Submission:

Labcorp Genetics (formerly Invitae), Labcorp
Classification: Uncertain significance. Last evaluated: 2025-11-13. Review status: criteria provided, single submitter. Criteria: Invitae Variant Classification Sherloc (09022015). Collection method: clinical testing. Allele origin: germline.
Comment: This sequence change replaces glutamine, which is neutral and polar, with glutamic acid, which is acidic and polar, at codon 1282 of the HMCN1 protein (p.Gln1282Glu). This variant is present in population databases (rs757109501, gnomAD 0.01%). This variant has not been reported in the literature in individuals affected with HMCN1-related conditions. An algorithm developed to predict the effect of missense changes on protein structure and function outputs the following: PolyPhen-2: "Benign". The glutamic acid amino acid residue is found in multiple mammalian species, which suggests that this missense change does not adversely affect protein function. In summary, the available evidence is currently insufficient to determine the role of this variant in disease. Therefore, it has been classified as a Variant of Uncertain Significance.